The following is an entry in ClinVar:

ClinVar aggregate classification (germline): Uncertain significance (1 of 4 stars; one submission).

Submission:

Labcorp Genetics (formerly Invitae), Labcorp
Classification: Uncertain significance. Last evaluated: 2024-01-08. Review status: criteria provided, single submitter. Criteria: Invitae Variant Classification Sherloc (09022015). Collection method: clinical testing. Allele origin: unknown.
Comment: A copy number gain of the genomic region encompassing the full coding sequence of the NRIP1 gene has been identified. The boundaries of this event are unknown as they extend beyond the assayed region for this gene and therefore may encompass additional genes. As the precise location of this event is unknown, it may be in tandem or it may be located elsewhere in the genome. This variant has not been reported in the literature in individuals affected with NRIP1-related conditions. In summary, the available evidence is currently insufficient to determine the role of this variant in disease. Therefore, it has been classified as a Variant of Uncertain Significance.

NC_000021.8:g.(?_15481314)_(16364756_?)dup

Genes: HSPA13 (heat shock protein family A (Hsp70) member 13; minus strand), LIPI (lipase I; minus strand), NRIP1 (nuclear receptor interacting protein 1; minus strand), RBM11 (RNA binding motif protein 11; plus strand), SAMSN1 (SAM domain, SH3 domain and nuclear localization signals 1; minus strand). Cytogenetic location: 21q11.2.
Variant type: Duplication.
Identifiers: ClinVar variation 3248182 (VCV003248182.1).